The following is an entry in ClinVar:

NM_001323075.3(CXorf49C):c.597C>T (p.Gly199=)

Gene: CXorf49C (chromosome X open reading frame 49C; plus strand). Cytogenetic location: Xq13.1.
Variant type: single nucleotide variant.
Coding change: c.597C>T on transcript NM_001323075.3 (MANE Select); coding-DNA position 597, C replaced by T.
Protein change: p.Gly199=; no amino-acid change (glycine 199 retained).
Molecular consequence: synonymous variant.
Genome position (GRCh38, 1-based): chrX:71,668,400, C>T. VCF-style: chrX-71668400-C-T. GRCh37 (hg19) VCF-style: chrX-70888250-C-T.
Identifiers: ClinVar variation 2660892 (VCV002660892.24), dbSNP rs762073369, ClinGen allele CA331124976.

ClinVar aggregate classification (germline): Likely benign (1 of 4 stars; one submission).

Allele frequency attached by ClinVar (database versions not stated): gnomAD exomes 0.00011; gnomAD 0.00018; TOPMed 0.00023; 1000 Genomes Project 0.00026; 1000 Genomes Project 30x 0.00062.
gnomAD v4.1: 148 of 1,154,760 alleles (0.013%); highest among the groups gnomAD compares: Middle Eastern, 0.053%; no homozygotes.

Submission:

CeGaT Center for Human Genetics Tuebingen
Classification: Likely benign. Last evaluated: 2022-09-01. Review status: criteria provided, single submitter. Criteria: CeGaT Center For Human Genetics Tuebingen Variant Classification Criteria Version 2. Collection method: clinical testing. Allele origin: germline. Affected: yes. Observed: 2 variant alleles.
Comment: LOC101059915: BP4, BP7